The following is an entry in ClinVar:

NM_001006658.3(CR2):c.1736A>G (p.Asn579Ser)

Gene: CR2 (complement C3d receptor 2; plus strand). Cytogenetic location: 1q32.2.
Variant type: single nucleotide variant.
Coding change: c.1736A>G on transcript NM_001006658.3 (MANE Select); coding-DNA position 1736, A replaced by G.
Protein change: p.Asn579Ser; replaces asparagine 579 with serine.
Molecular consequence: missense variant.
Genome position (GRCh38, 1-based): chr1:207,472,937, A>G. VCF-style: chr1-207472937-A-G. GRCh37 (hg19) VCF-style: chr1-207646282-A-G.
Other names: c.1736A>G, p.Asn579Ser (NM_001877.5); short protein forms N579S.
Identifiers: ClinVar variation 2068324 (VCV002068324.4), dbSNP rs781539418, ClinGen allele CA1368805.

ClinVar aggregate classification (germline): Uncertain significance (1 of 4 stars; one submission).

Conditions:
Immunodeficiency, common variable, 7. Identifiers: Orphanet 1572, Orphanet 696894, MedGen C3542922, MONDO:0013862, OMIM 614699.

Allele frequency attached by ClinVar (database versions not stated): gnomAD 0.00001; gnomAD exomes below 0.00001; ExAC 0.00001; TOPMed 0.00001.
gnomAD v4.1: 6 of 1,613,934 alleles (0.00037%); highest among the groups gnomAD compares: African/African-American, 0.0027%; no homozygotes.

Submission:

Labcorp Genetics (formerly Invitae), Labcorp
Classification: Uncertain significance for Immunodeficiency, common variable, 7. Last evaluated: 2024-11-05. Review status: criteria provided, single submitter. Criteria: Invitae Variant Classification Sherloc (09022015). Collection method: clinical testing. Allele origin: germline.
Comment: This sequence change replaces asparagine, which is neutral and polar, with serine, which is neutral and polar, at codon 579 of the CR2 protein (p.Asn579Ser). This variant is present in population databases (rs781539418, gnomAD 0.007%). This variant has not been reported in the literature in individuals affected with CR2-related conditions. ClinVar contains an entry for this variant (Variation ID: 2068324). An algorithm developed to predict the effect of missense changes on protein structure and function outputs the following: PolyPhen-2: "Benign". The serine amino acid residue is found in multiple mammalian species, which suggests that this missense change does not adversely affect protein function. In summary, the available evidence is currently insufficient to determine the role of this variant in disease. Therefore, it has been classified as a Variant of Uncertain Significance.